The following is an entry in ClinVar:

NM_078480.3(PUF60):c.1404C>A (p.Asn468Lys)

Gene: PUF60 (poly(U) binding splicing factor 60; minus strand). Cytogenetic location: 8q24.3.
Variant type: single nucleotide variant.
Coding change: c.1404C>A on transcript NM_078480.3 (MANE Select); coding-DNA position 1404, C replaced by A.
Protein change: p.Asn468Lys; replaces asparagine 468 with lysine.
Molecular consequence: missense variant.
Genome position (GRCh38, 1-based): chr8:143,816,796, G>T on the plus strand (C>A on the coding strand, the complement: PUF60 is on the minus strand). VCF-style: chr8-143816796-G-T. GRCh37 (hg19) VCF-style: chr8-144898966-G-T.
Other names: c.1275C>A, p.Asn425Lys (NM_001136033.3); c.1350C>A, p.Asn450Lys (NM_001271096.2); c.1266C>A, p.Asn422Lys (NM_001271097.2); c.1401C>A, p.Asn467Lys (NM_001271098.2); c.1317C>A, p.Asn439Lys (NM_001271099.2); c.1224C>A, p.Asn408Lys (NM_001271100.2); c.1515C>A, p.Asn505Lys (NM_001362895.2, NM_001362896.2); c.1464C>A, p.Asn488Lys (NM_001362897.2); and 1 more; short protein forms N408K, N422K, N425K, N439K, N450K, N451K, N467K, N468K.
Identifiers: ClinVar variation 4076934 (VCV004076934.1).

ClinVar aggregate classification (germline): Uncertain significance (1 of 4 stars; one submission).

Submission:

GeneDx
Classification: Uncertain significance. Last evaluated: 2025-02-25. Review status: criteria provided, single submitter. Criteria: GeneDx Variant Classification Process June 2021. Collection method: clinical testing. Allele origin: germline. Affected: yes.
Comment: Not observed at significant frequency in large population cohorts (gnomAD); In silico analysis supports that this missense variant has a deleterious effect on protein structure/function; Has not been previously published as pathogenic or benign to our knowledge